The following is an entry in ClinVar:

NM_173076.3(ABCA12):c.4126T>C (p.Leu1376=)

Gene: ABCA12 (ATP binding cassette subfamily A member 12; minus strand). Cytogenetic location: 2q35.
Variant type: single nucleotide variant.
Coding change: c.4126T>C on transcript NM_173076.3 (MANE Select); coding-DNA position 4126, T replaced by C.
Protein change: p.Leu1376=; no amino-acid change (leucine 1376 retained).
Molecular consequence: synonymous variant. On other transcripts: non-coding transcript variant (1).
Genome position (GRCh38, 1-based): chr2:214,986,579, A>G on the plus strand (T>C on the coding strand, the complement: ABCA12 is on the minus strand). VCF-style: chr2-214986579-A-G. GRCh37 (hg19) VCF-style: chr2-215851303-A-G.
Other names: c.3172T>C, p.Leu1058= (NM_015657.4).
Identifiers: ClinVar variation 262827 (VCV000262827.21), dbSNP rs34351934, ClinGen allele CA2091538.

ClinVar aggregate classification (germline): Benign. Review status: criteria provided, multiple submitters, no conflicts (2 of 4 stars). 9 submissions from 8 submitters: Benign (9). Last evaluated 2026-02-04.

Conditions:
Autosomal recessive congenital ichthyosis 4A (LI2). Also called: ICHTHYOSIS CONGENITA IIB. Identifiers: Orphanet 313, MedGen C1832550, MONDO:0011026, OMIM 601277.
Congenital ichthyosis of skin. Identifiers: MedGen C0020758.
Autosomal recessive congenital ichthyosis 4B (ARCI4B). Also called: Harlequin Fetus; ICHTHYOSIS CONGENITA, HARLEQUIN FETUS TYPE; HARLEQUIN ICHTHYOSIS; Ichthyosis, congenital, autosomal recessive 4B (harlequin). Identifiers: Orphanet 457, MedGen C0598226, MONDO:0009443, OMIM 242500.

Allele frequency attached by ClinVar (database versions not stated): gnomAD exomes 0.11060 and 0.13747; ExAC 0.13556; gnomAD 0.18567 and 0.18947; ESP Exome Variant Server 0.19491; 1000 Genomes Project 0.20707; TOPMed 0.20860; 1000 Genomes Project 30x 0.21814.
gnomAD v4.1: 191,127 of 1,613,664 alleles (12%); highest among the groups gnomAD compares: African/African-American, 38%; 15,717 homozygotes.

Submissions (9):

Labcorp Genetics (formerly Invitae), Labcorp
Classification: Benign. Last evaluated: 2026-02-04. Review status: criteria provided, single submitter. Criteria: Invitae Variant Classification Sherloc (09022015). Collection method: clinical testing. Allele origin: germline.

Women's Health and Genetics/Laboratory Corporation of America, LabCorp
Classification: Benign. Last evaluated: 2025-09-14. Review status: criteria provided, single submitter. Criteria: LabCorp Variant Classification Summary - May 2015. Collection method: clinical testing. Allele origin: germline.

Blueprint Genetics
Classification: Benign. Last evaluated: 2024-11-26. Review status: criteria provided, single submitter. Criteria: ACMG Guidelines, 2015. Collection method: clinical testing. Allele origin: germline.

Genome-Nilou Lab
Classification: Benign for Autosomal recessive congenital ichthyosis 4A. Last evaluated: 2021-07-14. Review status: criteria provided, single submitter. Criteria: ACMG Guidelines, 2015. Collection method: clinical testing. Allele origin: germline. Affected: no.

Genome-Nilou Lab
Classification: Benign for Autosomal recessive congenital ichthyosis 4B. Last evaluated: 2021-07-14. Review status: criteria provided, single submitter. Criteria: ACMG Guidelines, 2015. Collection method: clinical testing. Allele origin: germline. Affected: no.

Illumina Laboratory Services, Illumina
Classification: Benign for Congenital ichthyosis of skin. Last evaluated: 2018-01-13. Review status: criteria provided, single submitter. Criteria: ICSL Variant Classification Criteria 13 December 2019. Collection method: clinical testing. Allele origin: germline.
Comment: This variant was observed in the ICSL laboratory as part of a predisposition screen in an ostensibly healthy population. It had not been previously curated by ICSL or reported in the Human Gene Mutation Database (HGMD: prior to June 1st, 2018), and was therefore a candidate for classification through an automated scoring system. Utilizing variant allele frequency, disease prevalence and penetrance estimates, and inheritance mode, an automated score was calculated to assess if this variant is too frequent to cause the disease. Based on the score and internal cut-off values, a variant classified as benign is not then subjected to further curation. The score for this variant resulted in a classification of benign for this disease.

GeneDx
Classification: Benign. Last evaluated: 2015-03-03. Review status: criteria provided, single submitter. Criteria: GeneDx Variant Classification Process June 2021. Collection method: clinical testing. Allele origin: germline. Affected: yes.

Breakthrough Genomics
Classification: Benign. Review status: criteria provided, single submitter. Criteria: ACMG Guidelines, 2015. Collection method: not provided. Allele origin: germline. Inheritance: Autosomal recessive inheritance. Affected: yes.

PreventionGenetics, part of Exact Sciences
Classification: Benign. Review status: criteria provided, single submitter. Criteria: ACMG Guidelines, 2015. Collection method: clinical testing. Allele origin: germline.